The following is an entry in ClinVar:

NM_019042.5(PUS7):c.310A>G (p.Met104Val)

Gene: PUS7 (pseudouridine synthase 7; minus strand). Cytogenetic location: 7q22.3.
Variant type: single nucleotide variant.
Coding change: c.310A>G on transcript NM_019042.5 (MANE Select); coding-DNA position 310, A replaced by G.
Protein change: p.Met104Val; replaces methionine 104 with valine.
Molecular consequence: missense variant.
Genome position (GRCh38, 1-based): chr7:105,508,203, T>C on the plus strand (A>G on the coding strand, the complement: PUS7 is on the minus strand). VCF-style: chr7-105508203-T-C. GRCh37 (hg19) VCF-style: chr7-105148650-T-C.
Other names: c.310A>G, p.Met104Val (NM_001318163.1, NM_001318164.2); c.310A>G (NM_019042.3); short protein forms M104V.
Identifiers: ClinVar variation 1329600 (VCV001329600.4), dbSNP rs769886656, ClinGen allele CA4426236.

ClinVar aggregate classification (germline): Uncertain significance. Review status: criteria provided, multiple submitters, no conflicts (2 of 4 stars). 2 submissions from 2 submitters: Uncertain significance (2). Last evaluated 2025-08-21.

Conditions:
Inborn genetic diseases. Identifiers: MedGen C0950123, MeSH D030342.

Allele frequency attached by ClinVar (database versions not stated): TOPMed 0.00001; gnomAD exomes 0.00004 and 0.00009; ExAC 0.00007.

Submissions (2):

Ambry Genetics
Classification: Uncertain significance for Inborn genetic diseases. Last evaluated: 2025-08-21. Review status: criteria provided, single submitter. Criteria: Ambry Variant Classification Scheme 2023. Collection method: clinical testing. Allele origin: germline.

GeneDx
Classification: Uncertain significance. Last evaluated: 2023-12-14. Review status: criteria provided, single submitter. Criteria: GeneDx Variant Classification Process June 2021. Collection method: clinical testing. Allele origin: germline. Affected: yes.
Comment: In silico analysis supports that this missense variant does not alter protein structure/function; Has not been previously published as pathogenic or benign to our knowledge